The following is an entry in ClinVar:

NM_004104.5(FASN):c.7267T>G (p.Phe2423Val)

Genes: FASN (fatty acid synthase; minus strand), LOC129390948 (MPRA-validated peak3028 silencer; plus strand). Cytogenetic location: 17q25.3.
Variant type: single nucleotide variant.
Coding change: c.7267T>G on transcript NM_004104.5 (MANE Select); coding-DNA position 7267, T replaced by G.
Protein change: p.Phe2423Val; replaces phenylalanine 2423 with valine.
Molecular consequence: missense variant.
Genome position (GRCh38, 1-based): chr17:82,079,488, A>C on the plus strand (T>G on the coding strand, the complement: FASN is on the minus strand). VCF-style: chr17-82079488-A-C. GRCh37 (hg19) VCF-style: chr17-80037364-A-C.
Other names: short protein forms F2423V.
Identifiers: ClinVar variation 3652643 (VCV003652643.2).

ClinVar aggregate classification (germline): Uncertain significance (1 of 4 stars; one submission).

Conditions:
Epileptic encephalopathy. Identifiers: MedGen C0543888, HP:0200134.

gnomAD v4.1: 2 of 1,612,750 alleles (0.00012%); highest among the groups gnomAD compares: Non-Finnish European, 0.00017%; no homozygotes.

Submission:

Labcorp Genetics (formerly Invitae), Labcorp
Classification: Uncertain significance for Epileptic encephalopathy. Last evaluated: 2024-05-08. Review status: criteria provided, single submitter. Criteria: Invitae Variant Classification Sherloc (09022015). Collection method: clinical testing. Allele origin: germline.
Comment: This sequence change replaces phenylalanine, which is neutral and non-polar, with valine, which is neutral and non-polar, at codon 2423 of the FASN protein (p.Phe2423Val). This variant is not present in population databases (gnomAD no frequency). This variant has not been reported in the literature in individuals affected with FASN-related conditions. An algorithm developed to predict the effect of missense changes on protein structure and function (PolyPhen-2) suggests that this variant is likely to be disruptive. In summary, the available evidence is currently insufficient to determine the role of this variant in disease. Therefore, it has been classified as a Variant of Uncertain Significance.